The following is an entry in ClinVar:

NM_001710.6(CFB):c.1636C>T (p.Arg546Trp)

Gene: CFB (complement factor B; plus strand). Cytogenetic location: 6p21.33.
Variant type: single nucleotide variant.
Coding change: c.1636C>T on transcript NM_001710.6 (MANE Select); coding-DNA position 1636, C replaced by T.
Protein change: p.Arg546Trp; replaces arginine 546 with tryptophan.
Molecular consequence: missense variant.
Genome position (GRCh38, 1-based): chr6:31,950,630, C>T. VCF-style: chr6-31950630-C-T. GRCh37 (hg19) VCF-style: chr6-31918407-C-T.
Other names: short protein forms R546W.
Identifiers: ClinVar variation 2879851 (VCV002879851.3), dbSNP rs745920524, ClinGen allele CA363408616.
Genomic context (GRCh38, chr6:31,950,630, plus strand): 5'-GAGGCAGGAAGCTGCCCACAAAGAGGTGGTACCTACTCTCCTACTTCAGGAGGGGAGAAG[C>T]GGGACCTGGAGATAGAAGTAGTCCTATTTCACCCCAACTACAACATTAATGGGAAAAAAG-3'
Protein context (NP_001701.2, residues 536-556): SIKVSVGGEK[Arg546Trp]DLEIEVVLFH

ClinVar aggregate classification (germline): Uncertain significance (1 of 4 stars; one submission).

gnomAD v4.1: 12 of 1,612,928 alleles (0.00074%); highest among the groups gnomAD compares: East Asian, 0.0022%; no homozygotes.

Submission:

Labcorp Genetics (formerly Invitae), Labcorp
Classification: Uncertain significance. Last evaluated: 2025-03-04. Review status: criteria provided, single submitter. Criteria: Invitae Variant Classification Sherloc (09022015). Collection method: clinical testing. Allele origin: germline.
Comment: This sequence change replaces arginine, which is basic and polar, with tryptophan, which is neutral and slightly polar, at codon 546 of the CFB protein (p.Arg546Trp). This variant is not present in population databases (gnomAD no frequency). This variant has not been reported in the literature in individuals affected with CFB-related conditions. ClinVar contains an entry for this variant (Variation ID: 2879851). Invitae Evidence Modeling of protein sequence and biophysical properties (such as structural, functional, and spatial information, amino acid conservation, physicochemical variation, residue mobility, and thermodynamic stability) indicates that this missense variant is not expected to disrupt CFB protein function with a negative predictive value of 80%. In summary, the available evidence is currently insufficient to determine the role of this variant in disease. Therefore, it has been classified as a Variant of Uncertain Significance.